The following is an entry in ClinVar:

NM_007294.4(BRCA1):c.3780A>G (p.Leu1260=)

Genes: BRCA1 (BRCA1 DNA repair associated; minus strand), LOC126862571 (BRD4-independent group 4 enhancer GRCh37_chr17:41243136-41244335; plus strand). Cytogenetic location: 17q21.31.
Variant type: single nucleotide variant.
Coding change: c.3780A>G on transcript NM_007294.4 (MANE Select); coding-DNA position 3780, A replaced by G.
Protein change: p.Leu1260=; no amino-acid change (leucine 1260 retained).
Molecular consequence: synonymous variant. On other transcripts: intron variant (135).
Genome position (GRCh38, 1-based): chr17:43,091,751, T>C on the plus strand (A>G on the coding strand, the complement: BRCA1 is on the minus strand). VCF-style: chr17-43091751-T-C. GRCh37 (hg19) VCF-style: chr17-41243768-T-C.
Other names: c.3567A>G, p.Leu1189= (NM_001407571.1, NM_001407853.1, NM_001407894.1 and 9 more transcripts); c.3780A>G, p.Leu1260= (NM_001407581.1, NM_001407582.1, NM_001407583.1 and 30 more transcripts); c.3777A>G, p.Leu1259= (NM_001407587.1, NM_001407590.1, NM_001407591.1 and 22 more transcripts); c.3771A>G, p.Leu1257= (NM_001407646.1, NM_001407647.1); c.3657A>G, p.Leu1219= (NM_001407648.1, NM_001407664.1, NM_001407665.1 and 19 more transcripts); c.3654A>G, p.Leu1218= (NM_001407649.1, NM_001407670.1, NM_001407671.1 and 11 more transcripts); c.3702A>G, p.Leu1234= (NM_001407653.1, NM_001407654.1, NM_001407655.1 and 4 more transcripts); c.3699A>G, p.Leu1233= (NM_001407659.1, NM_001407660.1, NM_001407661.1 and 1 more transcripts); and 41 more.
Identifiers: ClinVar variation 427350 (VCV000427350.4), dbSNP rs753081589, ClinGen allele CA059185.

ClinVar aggregate classification (germline): Likely benign (3 of 4 stars; one submission).

Conditions:
Breast-ovarian cancer, familial, susceptibility to, 1 (BROVCA1). Also called: BRCA1 Hereditary Breast and Ovarian Cancer; OVARIAN CANCER, SUSCEPTIBILITY TO. Identifiers: Orphanet 145, MedGen C2676676, MONDO:0011450, OMIM 604370. Disease mechanism: loss of function.

Allele frequency attached by ClinVar (database versions not stated): gnomAD exomes below 0.00001; ExAC 0.00001.

Submission:

Evidence-based Network for the Interpretation of Germline Mutant Alleles (ENIGMA)
Classification: Likely benign for Breast-ovarian cancer, familial, susceptibility to, 1. Last evaluated: 2017-06-29. Review status: reviewed by expert panel. Criteria: ENIGMA BRCA1/2 Classification Criteria (2017-06-29). Collection method: curation. Allele origin: germline.
Comment: Synonymous substitution variant, with low bioinformatic likelihood to result in a splicing aberration (Splicing prior probability 0.02).